The following is an entry in ClinVar:

NM_001029.5(RPS26):c.3+1G>T

Gene: RPS26 (ribosomal protein S26; plus strand). Cytogenetic location: 12q13.2.
Variant type: single nucleotide variant.
Coding change: c.3+1G>T on transcript NM_001029.5 (MANE Select); the canonical splice donor site of the intron after coding-DNA position 3, G replaced by T.
Molecular consequence: splice donor variant.
Genome position (GRCh38, 1-based): chr12:56,042,170, G>T. VCF-style: chr12-56042170-G-T. GRCh37 (hg19) VCF-style: chr12-56435954-G-T.
Other names: NM_001029.5:c.3+1G>T.
Identifiers: ClinVar variation 1798687 (VCV001798687.5), dbSNP rs148622862, ClinGen allele CA385326242.

ClinVar aggregate classification (germline): Pathogenic/Likely pathogenic. Review status: criteria provided, multiple submitters, no conflicts (2 of 4 stars). 3 submissions from 3 submitters: Pathogenic (1); Likely pathogenic (2). Last evaluated 2025-10-23.

Conditions:
Diamond-Blackfan anemia. Also called: Blackfan Diamond syndrome; Aregenerative anemia chronic congenital; Red cell aplasia, pure hereditary; Congenital hypoplastic anemia; Aase syndrome. Identifiers: Orphanet 124, MedGen C1260899, MeSH D029503, MONDO:0015253, HP:0004810.
Diamond-Blackfan anemia 10 (DBA10). Also called: RPS26-Related Diamond-Blackfan Anemia. Identifiers: Orphanet 124, MedGen C2750080, MONDO:0013217, OMIM 613309.

Submissions (3):

Labcorp Genetics (formerly Invitae), Labcorp
Classification: Likely pathogenic for Diamond-Blackfan anemia 10. Last evaluated: 2025-10-23. Review status: criteria provided, single submitter. Criteria: Invitae Variant Classification Sherloc (09022015). Collection method: clinical testing. Allele origin: germline.
Comment: This sequence change affects a donor splice site in intron 1 of the RPS26 gene. It is expected to disrupt RNA splicing. Variants that disrupt the donor or acceptor splice site typically lead to a loss of protein function (PMID: 16199547), and loss-of-function variants in RPS26 are known to be pathogenic (PMID: 20116044, 23718193). This variant is not present in population databases (gnomAD no frequency). Disruption of this splice site has been observed in individual(s) with Diamond-Blackfan anemia (PMID: 20116044). ClinVar contains an entry for this variant (Variation ID: 1798687). Algorithms developed to predict the effect of sequence changes on RNA splicing suggest that this variant may disrupt the consensus splice site. In summary, the currently available evidence indicates that the variant is pathogenic, but additional data are needed to prove that conclusively. Therefore, this variant has been classified as Likely Pathogenic.

Broad Center for Mendelian Genomics, Broad Institute of MIT and Harvard
Classification: Pathogenic for Diamond-Blackfan anemia 10. Last evaluated: 2023-05-02. Review status: criteria provided, single submitter. Criteria: ACMG Guidelines, 2015. Collection method: curation. Allele origin: germline. Inheritance: Autosomal dominant inheritance.
Comment: Trio exome analysis showed this variant to be de novo. The c.3+1G>T variant in RPS26 has been previously reported in one individual with Diamond-Blackfan anemia 10 (PMID: 31401766). This variant was absent from large population studies. Two different nucleotide changes that also result in a splice donor variant at the same site, c.3+1G>A (PMID: 20116044, ClinVar Variation ID: 6126) and c.3+1G>C (PMID: 24675553), have been previously reported likely pathogenic, and the variant being assessed here, c.3+1G>T, is predicted by SpliceAI to have a similar effect on splicing. This variant is located in the 5' splice region. Computational tools predict a splicing impact, though this information is not predictive enough to determine pathogenicity. Heterozygous loss of function of the RPS26 gene is an established disease mechanism in Diamond-Blackfan anemia 10. In summary, this variant meets criteria to be classified as pathogenic for autosomal dominant Diamond-Blackfan anemia 10. ACMG/AMP Criteria applied: PVS1, PS1_Supporting, PS2, PS4_Supporting, PM2_Supporting (Richards 2015).

Ambry Genetics
Classification: Likely pathogenic for Diamond-Blackfan anemia. Last evaluated: 2018-08-08. Review status: criteria provided, single submitter. Criteria: Ambry Variant Classification Scheme 2023. Collection method: clinical testing. Allele origin: germline.
Comment: The c.3+1G>T intronic variant results from a G to T substitution one nucleotide after coding exon 1 of the RPS26 gene. This nucleotide position is highly conserved in available vertebrate species. Using the BDGP and ESEfinder splice site prediction tools, this alteration is predicted to abolish the native splice donor site; however, direct evidence is unavailable. Two alterations at the same nucleotide position, c.3+1G>C and c.3+1G>A, have been described in unrelated probands with Diamond Blackfan anemia (DBA) (Doherty L et al. Am. J. Hum. Genet., 2010 Feb;86:222-8). Alterations that disrupt the canonical splice site are expected to cause aberrant splicing, resulting in an abnormal protein or a transcript that is subject to nonsense-mediated mRNA decay. As such, this alteration is classified as likely pathogenic.

Literature cited by the submitters: PubMed 16199547 (cited by Labcorp Genetics (formerly Invitae), Labcorp); PubMed 20116044 (cited by Labcorp Genetics (formerly Invitae), Labcorp and Ambry Genetics); PubMed 23718193 (cited by Labcorp Genetics (formerly Invitae), Labcorp).